The following is an entry in ClinVar:

NM_001008537.3(NEXMIF):c.3086A>C (p.His1029Pro)

Gene: NEXMIF (neurite extension and migration factor; minus strand). Cytogenetic location: Xq13.3.
Variant type: single nucleotide variant.
Coding change: c.3086A>C on transcript NM_001008537.3 (MANE Select); coding-DNA position 3086, A replaced by C.
Protein change: p.His1029Pro; replaces histidine 1029 with proline.
Molecular consequence: missense variant.
Genome position (GRCh38, 1-based): chrX:74,741,471, T>G on the plus strand (A>C on the coding strand, the complement: NEXMIF is on the minus strand). VCF-style: chrX-74741471-T-G. GRCh37 (hg19) VCF-style: chrX-73961306-T-G.
Other names: short protein forms H1029P.
Identifiers: ClinVar variation 1207154 (VCV001207154.3), dbSNP rs2147439713, ClinGen allele CA413666748.
Genomic context (GRCh38, chrX:74,741,471, plus strand): 5'-GACTCCTTTAGTGGTGCTATCTCATCAATGCTTTGCTGGATCACCAGCTTAGGGCTGCAA[T>G]GGGCCAGGAAGTCATCAGTGATATCATCATCGCCATCCTTTTCACAGGACTTCAAGCTTA-3'
Protein context (NP_001008537.1, residues 1019-1039): DDDITDDFLA[His1029Pro]CSPKLVIQQS

ClinVar aggregate classification (germline): Uncertain significance (1 of 4 stars; one submission).

Submission:

GeneDx
Classification: Uncertain significance. Last evaluated: 2020-06-30. Review status: criteria provided, single submitter. Criteria: GeneDx Variant Classification Process June 2021. Collection method: clinical testing. Allele origin: germline. Affected: yes.
Comment: Not observed in large population cohorts (Lek et al., 2016); In silico analysis, which includes protein predictors and evolutionary conservation, supports a deleterious effect; Has not been previously published as pathogenic or benign to our knowledge